The following is an entry in ClinVar:

NM_014244.5(ADAMTS2):c.2958+4C>T

Gene: ADAMTS2 (ADAM metallopeptidase with thrombospondin type 1 motif 2; minus strand). Cytogenetic location: 5q35.3.
Variant type: single nucleotide variant.
Coding change: c.2958+4C>T on transcript NM_014244.5 (MANE Select); 4 bases into the intron after coding-DNA position 2958, C replaced by T.
Molecular consequence: intron variant.
Genome position (GRCh38, 1-based): chr5:179,124,969, G>A on the plus strand (C>T on the coding strand, the complement: ADAMTS2 is on the minus strand). VCF-style: chr5-179124969-G-A. GRCh37 (hg19) VCF-style: chr5-178551970-G-A.
Other names: p.?.
Identifiers: ClinVar variation 508237 (VCV000508237.18), dbSNP rs375345961, ClinGen allele CA3595363.
Genomic context (GRCh38, chr5:179,124,969, plus strand): 5'-GCACCTGCATGCCTGTCCACCCTCAGTTTTGGAGCTGAGGACACGGGATCGGGGGATTGC[G>A]TACCTGGGACCAGGGCCCGGCTCGCCAACGACCAGGGCAGAGCTCGCGGCTGCAGGCCCG-3'

ClinVar aggregate classification (germline): Conflicting classifications of pathogenicity. Review status: criteria provided, conflicting classifications (1 of 4 stars). 5 submissions from 5 submitters: Uncertain significance (1); Benign (1); Likely benign (3). Last evaluated 2026-01-31.

Conditions:
Ehlers-Danlos syndrome, dermatosparaxis type. Also called: Ehlers-Danlos syndrome, type VII, autosomal recessive; Dermatosparaxis; EDS VIIC. Identifiers: Orphanet 1901, MedGen C2700425, MONDO:0009161, OMIM 225410.

Allele frequency attached by ClinVar (database versions not stated): ExAC 0.00022; gnomAD exomes 0.00022; 1000 Genomes Project 0.00080; gnomAD 0.00088 and 0.00100; 1000 Genomes Project 30x 0.00094; ESP Exome Variant Server 0.00108.
gnomAD v4.1: 224 of 1,551,192 alleles (0.014%); highest among the groups gnomAD compares: African/African-American, 0.31%; no homozygotes.

Submissions (5):

Labcorp Genetics (formerly Invitae), Labcorp
Classification: Likely benign for Ehlers-Danlos syndrome, dermatosparaxis type. Last evaluated: 2026-01-31. Review status: criteria provided, single submitter. Criteria: Invitae Variant Classification Sherloc (09022015). Collection method: clinical testing. Allele origin: germline.

Mayo Clinic Laboratories, Mayo Clinic
Classification: Likely benign. Last evaluated: 2025-06-24. Review status: criteria provided, single submitter. Criteria: ACMG Guidelines, 2015. Collection method: clinical testing. Allele origin: germline. Observed: 2 variant alleles.
Comment: BS1, BP4, BP7

Women's Health and Genetics/Laboratory Corporation of America, LabCorp
Classification: Benign. Last evaluated: 2025-06-02. Review status: criteria provided, single submitter. Criteria: LabCorp Variant Classification Summary - May 2015. Collection method: clinical testing. Allele origin: germline.
Comment: Variant summary: ADAMTS2 c.2958+4C>T alters a nucleotide located close to a canonical splice site and therefore could affect mRNA splicing, leading to a significantly altered protein sequence. Consensus agreement among computation tools predict no significant impact on normal splicing. However, these predictions have yet to be confirmed by functional studies. The variant allele was found at a frequency of 0.00022 in 234540 control chromosomes, predominantly at a frequency of 0.0028 within the African or African-American subpopulation in the gnomAD database. The observed variant frequency within African or African-American control individuals in the gnomAD database is approximately 2.5 fold of the estimated maximal expected allele frequency for a pathogenic variant in ADAMTS2 causing Ehlers-Danlos syndrome, dermatosparaxis type phenotype (0.0011). To our knowledge, no occurrence of c.2958+4C>T in individuals affected with Ehlers-Danlos syndrome, dermatosparaxis type and no experimental evidence demonstrating its impact on protein function have been reported. ClinVar contains an entry for this variant (Variation ID: 508237). Based on the evidence outlined above, the variant was classified as benign.

GeneDx
Classification: Likely benign. Last evaluated: 2020-10-28. Review status: criteria provided, single submitter. Criteria: GeneDx Variant Classification Process June 2021. Collection method: clinical testing. Allele origin: germline. Affected: yes.

Illumina Laboratory Services, Illumina
Classification: Uncertain significance for Ehlers-Danlos syndrome, dermatosparaxis type. Last evaluated: 2018-01-13. Review status: criteria provided, single submitter. Criteria: ICSL Variant Classification Criteria 13 December 2019. Collection method: clinical testing. Allele origin: germline.